The following is an entry in ClinVar:

ClinVar aggregate classification (germline): Uncertain significance. Review status: reviewed by expert panel (3 of 4 stars). 3 submissions from 3 submitters: Uncertain significance (1). 2 of the submissions do not count toward it. Last evaluated 2023-11-14.

Conditions:
X-linked severe combined immunodeficiency (SCIDX1). Also called: X-Linked Combined Immunodeficiency Diseases; IMMUNODEFICIENCY 4; SCID, X-LINKED; SEVERE COMBINED IMMUNODEFICIENCY, X-LINKED, T CELL-NEGATIVE, B CELL-POSITIVE, NK CELL-NEGATIVE; T-B+ severe combined immunodeficiency due to gamma chain deficiency. Identifiers: Orphanet 276, MedGen C6022468, MONDO:0010315, OMIM 300400. Disease mechanism: loss of function.

Submissions (3):

ClinGen Severe Combined Immunodeficiency Variant Curation Expert Panel, ClinGen
Classification: Uncertain significance for X-linked severe combined immunodeficiency. Last evaluated: 2023-11-14. Review status: reviewed by expert panel. Criteria: ClinGen SCID ACMG Specifications IL2RG V1.0.0. Collection method: curation. Allele origin: germline. Inheritance: X-linked inheritance.
Comment: The NM_000206.3:c.694G>A variant in IL2RG is a missense variant predicted to cause substitution of glycine by arginine at amino acid 232 (p.Gly232Arg). This variant is not present in gnomAD v2.1.1 and therefore is below the minor allele frequency threshold set by the ClinGen SCID-VCEP for PM2_Supporting (<0.000124). This variant does not occur in a known hotspot or well-known functional domain according to the SCID VCEP specifications for IL2RG and therefore PM1 is not met. A different nucleotide change (c.694G>C) that results in the same missense change as (p.Gly232Arg) was reported in a patient with a suspected inborn error of immunity (PMID: 35874699) who did not meet PP4 criteria for SCID. This variant has not yet been classified by the SCID VCEP and therefore PS1 is not met. Two additional variants c.695G>A and c.695G>T resulting in different missense changes at this same codon (p.Gly232Glu and p.Gly232Val, respectively) were reported in individuals with suspected primary immunodeficiencies (PMID: 28359783, 33942430) but neither meets PP4 criteria for SCID. These variants have not yet been classified by the SCID VCEP and therefore PM5 is not met. In summary, this variant meets the criteria to be classified as a Variant of Uncertain Significance for SCID. ACMG/AMP criteria applied, as specified by the ClinGen SCID-VCEP: PM2_Supporting, PP4. (VCEP specifications version 1).

Women's Health and Genetics/Laboratory Corporation of America, LabCorp
Classification: Uncertain significance. Last evaluated: 2025-07-30. Review status: criteria provided, single submitter. Criteria: LabCorp Variant Classification Summary - May 2015. Collection method: clinical testing. Allele origin: germline. Not counted in ClinVar's aggregate classification.
Comment: Variant summary: IL2RG c.694G>A (p.Gly232Arg) results in a non-conservative amino acid change located in the Fibronectin type III domain (IPR003961) and cytokine-binding site (Zhang_2002, Wang_2005) of the encoded protein sequence. Algorithms developed to predict the effect of missense changes on protein structure and function are either unavailable or do not agree on the potential impact of this missense change. The variant was absent in 183442 control chromosomes. c.694G>A has been reported in the literature in an individual affected with X-Linked Severe Combined Immunodeficiency (e.g., Puck_1996, Puck_1997). A different variant affecting the same nucleotide and resulting in the same protein level change (c.694G>C; p.Gly232Arg) has also been reported to be found in a SCID patient (PMID: 28747913), supporting the importance of this amino acid position. To our knowledge, for the variant of interest no experimental evidence demonstrating an impact on protein function has been reported, though an alanine-scanning mutational analysis demonstrated that alteration of the residue results in decreased cytokine binding (Zhang_2002). The following publications have been ascertained in the context of this evaluation (PMID: 9058718, 8961626, 16293754, 11874464). ClinVar contains an entry for this variant (Variation ID: 633274). Based on the evidence outlined above, the variant was classified as VUS-possibly pathogenic.

Labcorp Genetics (formerly Invitae), Labcorp
Classification: Likely pathogenic for X-linked severe combined immunodeficiency. Last evaluated: 2021-11-29. Review status: criteria provided, single submitter. Criteria: Invitae Variant Classification Sherloc (09022015). Collection method: clinical testing. Allele origin: germline. Not counted in ClinVar's aggregate classification.
Comment: This sequence change replaces glycine, which is neutral and non-polar, with arginine, which is basic and polar, at codon 232 of the IL2RG protein (p.Gly232Arg). This variant is not present in population databases (gnomAD no frequency). This missense change has been observed in individuals with severe combined immunodeficiency (PMID: 9058718, 28747913). ClinVar contains an entry for this variant (Variation ID: 633274). Advanced modeling of protein sequence and biophysical properties (such as structural, functional, and spatial information, amino acid conservation, physicochemical variation, residue mobility, and thermodynamic stability) performed at Invitae indicates that this missense variant is expected to disrupt IL2RG protein function. Algorithms developed to predict the effect of sequence changes on RNA splicing suggest that this variant may create or strengthen a splice site. In summary, the currently available evidence indicates that the variant is pathogenic, but additional data are needed to prove that conclusively. Therefore, this variant has been classified as Likely Pathogenic.

Literature cited by the submitters: PubMed 9058718 (cited by Women's Health and Genetics/Laboratory Corporation of America, LabCorp and Labcorp Genetics (formerly Invitae), Labcorp); PubMed 8961626 (cited by Women's Health and Genetics/Laboratory Corporation of America, LabCorp); PubMed 16293754 (cited by Women's Health and Genetics/Laboratory Corporation of America, LabCorp); PubMed 11874464 (cited by Women's Health and Genetics/Laboratory Corporation of America, LabCorp); PubMed 28747913 (cited by Women's Health and Genetics/Laboratory Corporation of America, LabCorp and Labcorp Genetics (formerly Invitae), Labcorp).

NM_000206.3(IL2RG):c.694G>A (p.Gly232Arg)

Gene: IL2RG (interleukin 2 receptor subunit gamma; minus strand). Cytogenetic location: Xq13.1.
Variant type: single nucleotide variant.
Coding change: c.694G>A on transcript NM_000206.3 (MANE Select); coding-DNA position 694, G replaced by A.
Protein change: p.Gly232Arg; replaces glycine 232 with arginine.
Molecular consequence: missense variant.
Genome position (GRCh38, 1-based): chrX:71,109,291, C>T on the plus strand (G>A on the coding strand, the complement: IL2RG is on the minus strand). VCF-style: chrX-71109291-C-T. GRCh37 (hg19) VCF-style: chrX-70329141-C-T.
Other names: NM_000206.3(IL2RG):c.694G>A; p.Gly232Arg; short protein forms G232R.
Identifiers: ClinVar variation 633274 (VCV000633274.8), dbSNP rs1569479909, ClinGen allele CA413495953.